The following is an entry in ClinVar:

NM_000059.4(BRCA2):c.7112C>A (p.Ser2371Tyr)

Gene: BRCA2 (BRCA2 DNA repair associated; plus strand). Cytogenetic location: 13q13.1.
Variant type: single nucleotide variant.
Coding change: c.7112C>A on transcript NM_000059.4 (MANE Select); coding-DNA position 7112, C replaced by A.
Protein change: p.Ser2371Tyr; replaces serine 2371 with tyrosine.
Molecular consequence: missense variant. On other transcripts: non-coding transcript variant (1).
Genome position (GRCh38, 1-based): chr13:32,354,965, C>A. VCF-style: chr13-32354965-C-A. GRCh37 (hg19) VCF-style: chr13-32929102-C-A.
Other names: c.7016C>A, p.Ser2339Tyr (NM_001406719.1); c.7112C>A, p.Ser2371Tyr (NM_001406720.1); c.2180C>A, p.Ser727Tyr (NM_001406721.1); c.695C>A, p.Ser232Tyr (NM_001406722.1); short protein forms S232Y, S2339Y, S2371Y, S727Y.
Identifiers: ClinVar variation 3228202 (VCV003228202.1), dbSNP rs1453603435, ClinGen allele CA387738636.

ClinVar aggregate classification (germline): Uncertain significance (1 of 4 stars; one submission).

Conditions:
Hereditary cancer-predisposing syndrome. Also called: Neoplastic Syndromes, Hereditary; Tumor predisposition; Hereditary neoplastic syndrome; Hereditary Cancer Syndrome. Identifiers: Orphanet 140162, MedGen C0027672, MeSH D009386, MONDO:0015356.

Allele frequency attached by ClinVar (database versions not stated): gnomAD exomes below 0.00001.
gnomAD v4.1: 2 of 1,613,596 alleles (0.00012%); highest among the groups gnomAD compares: Non-Finnish European, 0.00017%; no homozygotes.

Submission:

Ambry Genetics
Classification: Uncertain significance for Hereditary cancer-predisposing syndrome. Last evaluated: 2023-12-29. Review status: criteria provided, single submitter. Criteria: Ambry Variant Classification Scheme 2023. Collection method: clinical testing. Allele origin: germline.
Comment: The p.S2371Y variant (also known as c.7112C>A), located in coding exon 13 of the BRCA2 gene, results from a C to A substitution at nucleotide position 7112. The serine at codon 2371 is replaced by tyrosine, an amino acid with dissimilar properties. This amino acid position is conserved. In addition, the in silico prediction for this alteration is inconclusive. Since supporting evidence is limited at this time, the clinical significance of this alteration remains unclear.